The following is an entry in ClinVar:

ClinVar aggregate classification (germline): Likely benign. Review status: criteria provided, multiple submitters, no conflicts (2 of 4 stars). 3 submissions from 3 submitters: Likely benign (2). 1 of the submissions does not count toward it. Last evaluated 2019-12-31.

Conditions:
KALRN-related disorder. Also called: KALRN-related condition.

Allele frequency attached by ClinVar (database versions not stated): 1000 Genomes Project 30x 0.00047; 1000 Genomes Project 0.00060; ExAC 0.00120; ESP Exome Variant Server 0.00131; TOPMed 0.00135; gnomAD 0.00140 and 0.00149.
gnomAD v4.1: 2,852 of 1,611,656 alleles (0.18%); highest among the groups gnomAD compares: Non-Finnish European, 0.22%; 2 homozygotes.

Submissions (3):

Labcorp Genetics (formerly Invitae), Labcorp
Classification: Likely benign. Last evaluated: 2019-12-31. Review status: criteria provided, single submitter. Criteria: Invitae Variant Classification Sherloc (09022015). Collection method: clinical testing. Allele origin: germline.

Breakthrough Genomics
Classification: Likely benign. Review status: criteria provided, single submitter. Criteria: ACMG Guidelines, 2015. Collection method: not provided. Allele origin: germline. Inheritance: Unknown mechanism. Affected: yes.

PreventionGenetics, part of Exact Sciences
Classification: Likely benign for KALRN-related condition. Last evaluated: 2019-07-03. Review status: no assertion criteria provided. Collection method: clinical testing. Allele origin: germline. Not counted in ClinVar's aggregate classification.
Comment: This variant is classified as likely benign based on ACMG/AMP sequence variant interpretation guidelines (Richards et al. 2015 PMID: 25741868, with internal and published modifications).

NM_001388419.1(KALRN):c.7997-4G>A

Gene: KALRN (kalirin RhoGEF kinase; plus strand). Cytogenetic location: 3q21.2.
Variant type: single nucleotide variant.
Coding change: c.7997-4G>A on transcript NM_001388419.1 (MANE Select); 4 bases into the intron before coding-DNA position 7997, G replaced by A.
Molecular consequence: intron variant.
Genome position (GRCh38, 1-based): chr3:124,702,034, G>A. VCF-style: chr3-124702034-G-A. GRCh37 (hg19) VCF-style: chr3-124420881-G-A.
Other names: c.7997-4G>A (NM_001024660.5); c.2906-4G>A (NM_007064.5); c.2903-4G>A (NM_001322993.2).
Identifiers: ClinVar variation 788487 (VCV000788487.7), dbSNP rs143795847, ClinGen allele CA2581328.
Genomic context (GRCh38, chr3:124,702,034, plus strand): 5'-TAATTTTTTCTTTATTCTTATATGACATCCTCGATATTGTAAATGGATTCTCTTTCTTCC[G>A]AAGATGCTGCTGCTGATGGTGCCACCATTTCTTGGAAGGAAAATTTTGACTCAGCTTACA-3'